The following is an entry in ClinVar:

NM_001367561.1(DOCK7):c.559C>G (p.Pro187Ala)

Gene: DOCK7 (dedicator of cytokinesis 7; minus strand). Cytogenetic location: 1p31.3.
Variant type: single nucleotide variant.
Coding change: c.559C>G on transcript NM_001367561.1 (MANE Select); coding-DNA position 559, C replaced by G.
Protein change: p.Pro187Ala; replaces proline 187 with alanine.
Molecular consequence: missense variant.
Genome position (GRCh38, 1-based): chr1:62,648,279, G>C on the plus strand (C>G on the coding strand, the complement: DOCK7 is on the minus strand). VCF-style: chr1-62648279-G-C. GRCh37 (hg19) VCF-style: chr1-63113950-G-C.
Other names: c.559C>G, p.Pro187Ala (NM_001271999.2, NM_001272000.2, NM_001272001.2 and 3 more transcripts); short protein forms P187A.
Identifiers: ClinVar variation 1968753 (VCV001968753.5), dbSNP rs1167374375, ClinGen allele CA340627962.
Genomic context (GRCh38, chr1:62,648,279, plus strand): 5'-GCAAAGCATCAGGAAGTGAATTTTTCAAGTCAAAGATACTACAGGCCCAGCTACCCCTTG[G>C]GGTATCATCTATTGACATTGAACGTCTTTTAAGGTCATCCTGTCATGCAAAACATTAAAT-3'
Protein context (NP_001354490.1, residues 177-197): KRRSMSIDDT[Pro187Ala]RGSWACSIFD

ClinVar aggregate classification (germline): Uncertain significance (1 of 4 stars; one submission).

Conditions:
Developmental and epileptic encephalopathy, 23 (DEE23). Also called: Epileptic encephalopathy, early infantile, 23. Identifiers: Orphanet 411986, MedGen C4014492, MONDO:0014371, OMIM 615859.

Submission:

Labcorp Genetics (formerly Invitae), Labcorp
Classification: Uncertain significance for Developmental and epileptic encephalopathy, 23. Last evaluated: 2022-02-17. Review status: criteria provided, single submitter. Criteria: Invitae Variant Classification Sherloc (09022015). Collection method: clinical testing. Allele origin: germline.
Comment: In summary, the available evidence is currently insufficient to determine the role of this variant in disease. Therefore, it has been classified as a Variant of Uncertain Significance. Algorithms developed to predict the effect of missense changes on protein structure and function are either unavailable or do not agree on the potential impact of this missense change (SIFT: "Deleterious"; PolyPhen-2: "Probably Damaging"; Align-GVGD: "Class C0"). This variant has not been reported in the literature in individuals affected with DOCK7-related conditions. This variant is present in population databases (no rsID available, gnomAD 0.003%). This sequence change replaces proline, which is neutral and non-polar, with alanine, which is neutral and non-polar, at codon 187 of the DOCK7 protein (p.Pro187Ala).